The following is an entry in ClinVar:

NM_080425.4(GNAS):c.1681_1682delinsTT (p.Arg561Phe)

Gene: GNAS (GNAS complex locus; plus strand). Cytogenetic location: 20q13.32.
Variant type: Indel.
Coding change: c.1681_1682delinsTT on transcript NM_080425.4 (MANE Plus Clinical); coding-DNA positions 1681 to 1682, CG replaced by TT.
Protein change: p.Arg561Phe; replaces arginine 561 with phenylalanine.
Molecular consequence: missense variant. On other transcripts: intron variant (3).
Genome position (GRCh38, 1-based): chr20:58,854,946-58,854,947, CG replaced by TT. VCF-style: chr20-58854946-CG-TT. GRCh37 (hg19) VCF-style: chr20-57430001-CG-TT.
Other names: c.1494_1495delinsTT, p.Ala499Ser (NM_001077490.3, NM_001309883.1); c.1681_1682delinsTT, p.Arg561Phe (NM_001410913.1); c.*42+14060_*42+14061delinsTT (NM_016592.5); c.43+14060_43+14061delinsTT (NM_001410912.1); c.-39+13071_-39+13072delinsTT (NM_001309861.2); short protein forms A499S, R561F.
Identifiers: ClinVar variation 2637129 (VCV002637129.3), dbSNP rs2516392460, ClinGen allele CA2695201412.

ClinVar aggregate classification (germline): Uncertain significance. Review status: criteria provided, single submitter (1 of 4 stars). 2 submissions from 2 submitters: Uncertain significance (1). 1 of the submissions does not count toward it. Last evaluated 2024-04-18.

Conditions:
Pseudopseudohypoparathyroidism (PPHP). Also called: ALBRIGHT HEREDITARY OSTEODYSTROPHY WITHOUT MULTIPLE HORMONE RESISTANCE; Pseudopseudohypoparathyroidism (PPHP). Identifiers: Orphanet 79445, MedGen C0033835, MONDO:0012912, OMIM 612463.
GNAS-related disorder. Identifiers: MedGen CN380105.

Submissions (2):

Clinical Genomics Laboratory, Washington University in St. Louis
Classification: Uncertain significance for Pseudopseudohypoparathyroidism. Last evaluated: 2024-04-18. Review status: criteria provided, single submitter. Criteria: ACMG Guidelines, 2015. Collection method: clinical testing. Allele origin: germline.
Comment: A GNAS c.1494_1495delinsTT (p.Ala499Ser) variant was identified at a near heterozygous allelic fraction of 48%, a frequency which may be consistent with germline origin. To our knowledge, this variant has not been reported in the medical literature. This variant has been reported in the ClinVar database as a germline variant of uncertain clinical significance by one submitter (ClinVar Variation ID: 2637129). Due to limited information, and based on ACMG/AMP guidelines for variant interpretation (Richards S et al., PMID: 25741868), the clinical significance of this variant is uncertain at this time.

PreventionGenetics, part of Exact Sciences
Classification: Uncertain significance for GNAS-related condition. Last evaluated: 2024-07-11. Review status: no assertion criteria provided. Collection method: clinical testing. Allele origin: germline. Not counted in ClinVar's aggregate classification.
Comment: The GNAS c.1681_1682delinsTT variant is predicted to result in an in-frame deletion and insertion. In the primary transcript listed in the Human Gene Mutation Database (NM_000516.7), this variant is pre-coding (c.-36781_-36780delinsTT). This variant has been reported (as two separate variants in cis) in 8 individuals in the gnomAD public population database. At this time, the clinical significance of this variant is uncertain due to the absence of conclusive functional and genetic evidence.